The following is an entry in ClinVar:

ClinVar aggregate classification (germline): Benign (0 of 4 stars; one submission).

Conditions:
ABCA7-related disorder. Also called: ABCA7-related condition.

Submission:

PreventionGenetics, part of Exact Sciences
Classification: Benign for ABCA7-related condition. Last evaluated: 2019-05-08. Review status: no assertion criteria provided. Collection method: clinical testing. Allele origin: germline.
Comment: This variant is classified as benign based on ACMG/AMP sequence variant interpretation guidelines (Richards et al. 2015 PMID: 25741868, with internal and published modifications).

NM_019112.4(ABCA7):c.4417-7del

Gene: ABCA7 (ATP binding cassette subfamily A member 7; plus strand). Cytogenetic location: 19p13.3.
Variant type: Deletion.
Coding change: c.4417-7del on transcript NM_019112.4 (MANE Select); 7 bases into the intron before coding-DNA position 4417, one base deleted (C; older notation c.4417-7delC).
Molecular consequence: intron variant.
Genome position (GRCh38, 1-based): chr19:1,056,323, C deleted; the last of 5 consecutive C bases (chr19:1,056,319-1,056,323); deleting any one gives the same sequence. VCF-style (leftmost placement, unchanged base first): chr19-1056318-AC-A. GRCh37 (hg19) VCF-style: chr19-1056317-AC-A.
Identifiers: ClinVar variation 3059295 (VCV003059295.2), dbSNP rs60622178, ClinGen allele CA9034486.
Genomic context (GRCh38, chr19:1,056,318, plus strand): 5'-GGCAGGTGGGCGTCCTGTCACAGCAAGGTCCAACCCCATTGCTCTGACCCTATGACCTTG[AC>A]CCCCACCCAGATCTGGTTCAACAACAAAGGCTGGCACTCCATGGTGGCCTTTGTCAACCG-3'